The following is an entry in ClinVar:

NM_001040108.2(MLH3):c.506A>G (p.Glu169Gly)

Gene: MLH3 (mutL homolog 3; minus strand). Cytogenetic location: 14q24.3.
Variant type: single nucleotide variant.
Coding change: c.506A>G on transcript NM_001040108.2 (MANE Select); coding-DNA position 506, A replaced by G.
Protein change: p.Glu169Gly; replaces glutamic acid 169 with glycine.
Molecular consequence: missense variant.
Genome position (GRCh38, 1-based): chr14:75,049,150, T>C on the plus strand (A>G on the coding strand, the complement: MLH3 is on the minus strand). VCF-style: chr14-75049150-T-C. GRCh37 (hg19) VCF-style: chr14-75515853-T-C.
Other names: c.506A>G, p.Glu169Gly (NM_014381.3); short protein forms E169G.
Identifiers: ClinVar variation 3295089 (VCV003295089.1).

ClinVar aggregate classification (germline): Uncertain significance (1 of 4 stars; one submission).

Submission:

Ambry Genetics
Classification: Uncertain significance. Last evaluated: 2024-03-19. Review status: criteria provided, single submitter. Criteria: Ambry Variant Classification Scheme 2023. Collection method: clinical testing. Allele origin: germline.
Comment: The p.E169G variant (also known as c.506A>G), located in coding exon 1 of the MLH3 gene, results from an A to G substitution at nucleotide position 506. The glutamic acid at codon 169 is replaced by glycine, an amino acid with similar properties. This amino acid position is conserved. In addition, the in silico prediction for this alteration is inconclusive. Based on the available evidence, the clinical significance of this alteration remains unclear.